The following is an entry in ClinVar:

ClinVar aggregate classification (germline): Uncertain significance. Review status: criteria provided, multiple submitters, no conflicts (2 of 4 stars). 4 submissions from 4 submitters: Uncertain significance (4). Last evaluated 2026-10-15.

Conditions:
Tietz syndrome (TADS). Also called: ALBINISM-DEAFNESS OF TIETZ; HYPOPIGMENTATION/DEAFNESS OF TIETZ; TIETZ ALBINISM-DEAFNESS SYNDROME. Identifiers: Orphanet 42665, MedGen C0391816, MONDO:0007077, OMIM 103500.
Waardenburg syndrome type 2A (WS2A). Also called: WAARDENBURG SYNDROME WITHOUT DYSTOPIA CANTHORUM. Identifiers: Orphanet 3440, MedGen C1860339, MONDO:0008671, OMIM 193510.
Melanoma, cutaneous malignant, susceptibility to, 8. Also called: MELANOMA AND RENAL CELL CARCINOMA, SUSCEPTIBILITY TO; Cutaneous malignant melanoma 8. Identifiers: Orphanet 293822, MedGen C3152204, MONDO:0013759, OMIM 614456.
MITF-related disorder. Also called: MITF-related condition.

Allele frequency attached by ClinVar (database versions not stated): gnomAD 0.00001; TOPMed below 0.00001; ExAC 0.00001; gnomAD exomes 0.00009.
gnomAD v4.1: 130 of 1,614,030 alleles (0.0081%); highest among the groups gnomAD compares: Non-Finnish European, 0.011%; no homozygotes.

Submissions (4):

GeneDx
Classification: Uncertain significance. Last evaluated: 2026-10-15. Review status: criteria provided, single submitter. Criteria: GeneDx Variant Classification Process June 2021. Collection method: clinical testing. Allele origin: germline.
Comment: Identified in an individual with unilateral renal cell carcinoma, reported as c.520 G>A p.(G174R) using an alternate transcript (PMID: 35441217); In silico analysis supports that this missense variant has a deleterious effect on protein structure/function; This variant is associated with the following publications: (PMID: 35441217)

Labcorp Genetics (formerly Invitae), Labcorp
Classification: Uncertain significance for Melanoma, cutaneous malignant, susceptibility to, 8; Waardenburg syndrome type 2A; Tietz syndrome. Last evaluated: 2025-08-20. Review status: criteria provided, single submitter. Criteria: Invitae Variant Classification Sherloc (09022015). Collection method: clinical testing. Allele origin: germline.
Comment: This sequence change replaces glycine, which is neutral and non-polar, with arginine, which is basic and polar, at codon 67 of the MITF protein (p.Gly67Arg). This variant is present in population databases (rs764874569, gnomAD 0.003%). This variant has not been reported in the literature in individuals affected with MITF-related conditions. ClinVar contains an entry for this variant (Variation ID: 1800973). Invitae Evidence Modeling of protein sequence and biophysical properties (such as structural, functional, and spatial information, amino acid conservation, physicochemical variation, residue mobility, and thermodynamic stability) indicates that this missense variant is not expected to disrupt MITF protein function with a negative predictive value of 80%. In summary, the available evidence is currently insufficient to determine the role of this variant in disease. Therefore, it has been classified as a Variant of Uncertain Significance.

PreventionGenetics, part of Exact Sciences
Classification: Uncertain significance for MITF-related condition. Last evaluated: 2023-04-17. Review status: criteria provided, single submitter. Criteria: ACMG Guidelines, 2015. Collection method: clinical testing. Allele origin: germline.
Comment: The MITF c.199G>A variant is predicted to result in the amino acid substitution p.Gly67Arg. To our knowledge, this variant has not been reported in the literature. This variant is reported in 2 of ~251,000 alleles in gnomAD and is interpreted as uncertain significance in ClinVar. At this time, the clinical significance of this variant is uncertain due to the absence of conclusive functional and genetic evidence.

Blueprint Genetics
Classification: Uncertain significance. Last evaluated: 2019-12-23. Review status: criteria provided, single submitter. Criteria: ACMG Guidelines, 2015. Collection method: clinical testing. Allele origin: germline.

NM_001354604.2(MITF):c.520G>A (p.Gly174Arg)

Gene: MITF (melanocyte inducing transcription factor; plus strand). Cytogenetic location: 3p13.
Variant type: single nucleotide variant.
Coding change: c.520G>A on transcript NM_001354604.2 (MANE Select); coding-DNA position 520, G replaced by A.
Protein change: p.Gly174Arg; replaces glycine 174 with arginine.
Molecular consequence: missense variant. On other transcripts: intron variant (1).
Genome position (GRCh38, 1-based): chr3:69,937,987, G>A. VCF-style: chr3-69937987-G-A. GRCh37 (hg19) VCF-style: chr3-69987138-G-A.
Other names: c.199G>A, p.Gly67Arg (NM_000248.4, NM_001184968.2, NM_198158.3); c.364G>A, p.Gly122Arg (NM_001184967.2, NM_001354608.2); c.517G>A, p.Gly173Arg (NM_001354605.2, NM_001354606.2, NM_006722.3); c.469G>A, p.Gly157Arg (NM_001354607.2); c.520G>A, p.Gly174Arg (NM_198159.3); c.472G>A, p.Gly158Arg (NM_198177.3); c.93+106G>A (NM_198178.3); short protein forms G122R, G157R, G158R, G173R, G174R, G67R.
Identifiers: ClinVar variation 1800973 (VCV001800973.7), dbSNP rs764874569, ClinGen allele CA2490371.
Genomic context (GRCh38, chr3:69,937,987, plus strand): 5'-CAAGTCCTGAGCTTGCCATGTCCAAACCAGCCTGGCGATCATGTCATGCCACCGGTGCCG[G>A]GGAGCAGCGCACCCAACAGCCCCATGGCTATGCTTACGCTTAACTCCAACTGTGAAAAAG-3'
Protein context (NP_001341533.1, residues 164-184): PGDHVMPPVP[Gly174Arg]SSAPNSPMAM